The following is an entry in ClinVar:

NM_004006.3(DMD):c.9956G>T (p.Cys3319Phe)

Gene: DMD (dystrophin; minus strand). Cytogenetic location: Xp21.2.
Variant type: single nucleotide variant.
Coding change: c.9956G>T on transcript NM_004006.3 (MANE Select); coding-DNA position 9956, G replaced by T.
Protein change: p.Cys3319Phe; replaces cysteine 3319 with phenylalanine.
Molecular consequence: missense variant.
Genome position (GRCh38, 1-based): chrX:31,182,756, C>A on the plus strand (G>T on the coding strand, the complement: DMD is on the minus strand). VCF-style: chrX-31182756-C-A. GRCh37 (hg19) VCF-style: chrX-31200873-C-A.
Other names: c.9932G>T, p.Cys3311Phe (NM_000109.4); c.9944G>T, p.Cys3315Phe (NM_004009.3); c.9587G>T, p.Cys3196Phe (NM_004010.3); c.5933G>T, p.Cys1978Phe (NM_004011.4); c.5924G>T, p.Cys1975Phe (NM_004012.4); c.2576G>T, p.Cys859Phe (NM_004013.3, NM_004020.4, NM_004021.3 and 2 more transcripts); c.1769G>T, p.Cys590Phe (NM_004014.3); c.752G>T, p.Cys251Phe (NM_004015.3, NM_004016.3, NM_004017.3 and 2 more transcripts); short protein forms C1978F, C3311F, C251F, C3196F, C3319F, C3315F, C590F, C1975F.
Identifiers: ClinVar variation 1381253 (VCV001381253.8), dbSNP rs2041296375, ClinGen allele CA412653300.

ClinVar aggregate classification (germline): Uncertain significance (1 of 4 stars; one submission).

Conditions:
Duchenne muscular dystrophy (DMD). Also called: MUSCULAR DYSTROPHY, PSEUDOHYPERTROPHIC PROGRESSIVE, DUCHENNE TYPE; Duchenne Muscular Dystrophy (DMD). Identifiers: Orphanet 98896, MedGen C0013264, MONDO:0010679, OMIM 310200.

Submission:

Labcorp Genetics (formerly Invitae), Labcorp
Classification: Uncertain significance for Duchenne muscular dystrophy. Last evaluated: 2022-07-26. Review status: criteria provided, single submitter. Criteria: Invitae Variant Classification Sherloc (09022015). Collection method: clinical testing. Allele origin: germline.
Comment: This sequence change replaces cysteine, which is neutral and slightly polar, with phenylalanine, which is neutral and non-polar, at codon 3319 of the DMD protein (p.Cys3319Phe). This variant is not present in population databases (gnomAD no frequency). In summary, the available evidence is currently insufficient to determine the role of this variant in disease. Therefore, it has been classified as a Variant of Uncertain Significance. Algorithms developed to predict the effect of missense changes on protein structure and function are either unavailable or do not agree on the potential impact of this missense change (SIFT: "Tolerated"; PolyPhen-2: "Possibly Damaging"; Align-GVGD: "Class C0"). ClinVar contains an entry for this variant (Variation ID: 1381253). This variant has not been reported in the literature in individuals affected with DMD-related conditions.